The following is an entry in ClinVar:

NM_014283.5(SUCO):c.2899A>G (p.Ile967Val)

Gene: SUCO (SUN domain containing ossification factor; plus strand). Cytogenetic location: 1q24.3.
Variant type: single nucleotide variant.
Coding change: c.2899A>G on transcript NM_014283.5 (MANE Select); coding-DNA position 2899, A replaced by G.
Protein change: p.Ile967Val; replaces isoleucine 967 with valine.
Molecular consequence: missense variant.
Genome position (GRCh38, 1-based): chr1:172,591,057, A>G. VCF-style: chr1-172591057-A-G. GRCh37 (hg19) VCF-style: chr1-172560197-A-G.
Other names: c.1786A>G, p.Ile596Val (NM_001282750.2); c.1210A>G, p.Ile404Val (NM_001282751.2); c.3352A>G, p.Ile1118Val (NM_016227.4); short protein forms I404V, I596V, I1118V, I967V.
Identifiers: ClinVar variation 3725464 (VCV003725464.2).
Genomic context (GRCh38, chr1:172,591,057, plus strand): 5'-ATGGAAGAAATGCAAAAGGCTTTCAATAAAACAATCGTGAAACTTCAGAATACTTCAAGA[A>G]TAGCAGAGGAGCAGGTTGGTTTCTACATCCCTTATTTACTTTTTATATAAATTTCCACTG-3'
Protein context (NP_055098.1, residues 957-977): TIVKLQNTSR[Ile967Val]AEEQDQRQTE

ClinVar aggregate classification (germline): Uncertain significance (1 of 4 stars; one submission).

gnomAD v4.1: 4 of 1,611,182 alleles (0.00025%); highest among the groups gnomAD compares: Non-Finnish European, 0.00034%; no homozygotes.

Submission:

Labcorp Genetics (formerly Invitae), Labcorp
Classification: Uncertain significance. Last evaluated: 2024-11-18. Review status: criteria provided, single submitter. Criteria: Invitae Variant Classification Sherloc (09022015). Collection method: clinical testing. Allele origin: germline.
Comment: This sequence change replaces isoleucine, which is neutral and non-polar, with valine, which is neutral and non-polar, at codon 967 of the SUCO protein (p.Ile967Val). This variant is not present in population databases (gnomAD no frequency). This variant has not been reported in the literature in individuals affected with SUCO-related conditions. An algorithm developed to predict the effect of missense changes on protein structure and function (PolyPhen-2) suggests that this variant is likely to be disruptive. In summary, the available evidence is currently insufficient to determine the role of this variant in disease. Therefore, it has been classified as a Variant of Uncertain Significance.